The following is an entry in ClinVar:

NM_052876.4(NACC1):c.21G>A (p.Met7Ile)

Gene: NACC1 (nucleus accumbens associated 1; plus strand). Cytogenetic location: 19p13.13.
Variant type: single nucleotide variant.
Coding change: c.21G>A on transcript NM_052876.4 (MANE Select); coding-DNA position 21, G replaced by A.
Protein change: p.Met7Ile; replaces methionine 7 with isoleucine.
Molecular consequence: missense variant.
Genome position (GRCh38, 1-based): chr19:13,135,228, G>A. VCF-style: chr19-13135228-G-A. GRCh37 (hg19) VCF-style: chr19-13246042-G-A.
Other names: short protein forms M7I.
Identifiers: ClinVar variation 1386411 (VCV001386411.6), dbSNP rs2019684955, ClinGen allele CA404323890.
Genomic context (GRCh38, chr19:13,135,228, plus strand): 5'-TGTCTCTCCATTCCTCCCTGCCCCTCGTGCAGCCGCTGCCATGGCCCAGACACTGCAGAT[G>A]GAGATCCCGAACTTCGGCAACAGCATCCTGGAGTGCCTCAATGAACAGCGGCTGCAGGGC-3'
Protein context (NP_443108.1, residues 1-17): MAQTLQ[Met7Ile]EIPNFGNSIL

ClinVar aggregate classification (germline): Uncertain significance (1 of 4 stars; one submission).

Allele frequency attached by ClinVar (database versions not stated): TOPMed below 0.00001.
gnomAD v4.1: 1 of 1,608,758 alleles (0.000062%); highest among the groups gnomAD compares: Non-Finnish European, 0.000085%; no homozygotes.

Submission:

Labcorp Genetics (formerly Invitae), Labcorp
Classification: Uncertain significance. Last evaluated: 2023-07-17. Review status: criteria provided, single submitter. Criteria: Invitae Variant Classification Sherloc (09022015). Collection method: clinical testing. Allele origin: germline.
Comment: In summary, the available evidence is currently insufficient to determine the role of this variant in disease. Therefore, it has been classified as a Variant of Uncertain Significance. Advanced modeling of protein sequence and biophysical properties (such as structural, functional, and spatial information, amino acid conservation, physicochemical variation, residue mobility, and thermodynamic stability) performed at Invitae indicates that this missense variant is not expected to disrupt NACC1 protein function. ClinVar contains an entry for this variant (Variation ID: 1386411). This variant has not been reported in the literature in individuals affected with NACC1-related conditions. This variant is not present in population databases (gnomAD no frequency). This sequence change replaces methionine, which is neutral and non-polar, with isoleucine, which is neutral and non-polar, at codon 7 of the NACC1 protein (p.Met7Ile).